The following is an entry in ClinVar:

ClinVar aggregate classification (germline): Uncertain significance (1 of 4 stars; one submission).

Submission:

GeneDx
Classification: Uncertain significance. Last evaluated: 2024-03-29. Review status: criteria provided, single submitter. Criteria: GeneDx Variant Classification Process June 2021. Collection method: clinical testing. Allele origin: germline. Affected: yes.
Comment: Not observed at significant frequency in large population cohorts (gnomAD); In silico analysis supports that this missense variant does not alter protein structure/function; Has not been previously published as pathogenic or benign to our knowledge

NM_032217.5(ANKRD17):c.7168G>A (p.Ala2390Thr)

Gene: ANKRD17 (ankyrin repeat domain 17; minus strand). Cytogenetic location: 4q13.3.
Variant type: single nucleotide variant.
Coding change: c.7168G>A on transcript NM_032217.5 (MANE Select); coding-DNA position 7168, G replaced by A.
Protein change: p.Ala2390Thr; replaces alanine 2390 with threonine.
Molecular consequence: missense variant.
Genome position (GRCh38, 1-based): chr4:73,078,882, C>T on the plus strand (G>A on the coding strand, the complement: ANKRD17 is on the minus strand). VCF-style: chr4-73078882-C-T. GRCh37 (hg19) VCF-style: chr4-73944599-C-T.
Other names: c.6829G>A, p.Ala2277Thr (NM_001286771.3); c.7165G>A, p.Ala2389Thr (NM_015574.2); c.6415G>A, p.Ala2139Thr (NM_198889.3); short protein forms A2139T, A2277T, A2389T, A2390T.
Identifiers: ClinVar variation 3371857 (VCV003371857.1).